The following is an entry in ClinVar:

NM_020774.4(MIB1):c.636+7A>C

Gene: MIB1 (MIB E3 ubiquitin protein ligase 1; plus strand). Cytogenetic location: 18q11.2.
Variant type: single nucleotide variant.
Coding change: c.636+7A>C on transcript NM_020774.4 (MANE Select); 7 bases into the intron after coding-DNA position 636, A replaced by C.
Molecular consequence: intron variant.
Genome position (GRCh38, 1-based): chr18:21,773,735, A>C. VCF-style: chr18-21773735-A-C. GRCh37 (hg19) VCF-style: chr18-19353696-A-C.
Identifiers: ClinVar variation 392518 (VCV000392518.6), dbSNP rs765948951, ClinGen allele CA8908056.

ClinVar aggregate classification (germline): Likely benign. Review status: criteria provided, multiple submitters, no conflicts (2 of 4 stars). 5 submissions from 5 submitters: Likely benign (3). 2 of the submissions do not count toward it. Last evaluated 2017-09-15.

Conditions:
Left ventricular noncompaction 7 (LVNC7). Identifiers: Orphanet 54260, MedGen C3554496, MONDO:0014042, OMIM 615092.

Allele frequency attached by ClinVar (database versions not stated): ExAC 0.00002; gnomAD exomes 0.00005 and 0.00007; TOPMed 0.00005; gnomAD 0.00007.
gnomAD v4.1: 109 of 1,556,740 alleles (0.007%); highest among the groups gnomAD compares: Non-Finnish European, 0.0088%; no homozygotes.

Submissions (5):

Genome Diagnostics Laboratory, University Medical Center Utrecht
Classification: Likely benign for Left ventricular noncompaction 7. Last evaluated: 2017-09-15. Review status: criteria provided, single submitter. Criteria: ACGS Guidelines, 2013. Collection method: clinical testing. Allele origin: germline. Affected: yes. Study: VKGL Data-share Consensus.

Clinical Genetics DNA and cytogenetics Diagnostics Lab, Erasmus MC, Erasmus Medical Center
Classification: Likely benign for Left ventricular noncompaction 7. Last evaluated: 2017-05-31. Review status: criteria provided, single submitter. Criteria: ACGS Guidelines, 2013. Collection method: clinical testing. Allele origin: germline. Affected: yes. Study: VKGL Data-share Consensus.

GeneDx
Classification: Likely benign. Last evaluated: 2017-01-09. Review status: criteria provided, single submitter. Criteria: GeneDx Variant Classification (06012015). Collection method: clinical testing. Allele origin: germline. Affected: yes.
Comment: This variant is considered likely benign or benign based on one or more of the following criteria: it is a conservative change, it occurs at a poorly conserved position in the protein, it is predicted to be benign by multiple in silico algorithms, and/or has population frequency not consistent with disease.

Clinical Genetics, Academic Medical Center
Classification: Benign. Review status: no assertion criteria provided. Collection method: clinical testing. Allele origin: germline. Affected: yes. Study: VKGL Data-share Consensus. Not counted in ClinVar's aggregate classification.

Joint Genome Diagnostic Labs from Nijmegen and Maastricht, Radboudumc and MUMC+
Classification: Likely benign. Review status: no assertion criteria provided. Collection method: clinical testing. Allele origin: germline. Affected: yes. Study: VKGL Data-share Consensus. Not counted in ClinVar's aggregate classification.